The following is an entry in ClinVar:

ClinVar aggregate classification (germline): Uncertain significance (1 of 4 stars; one submission).

Conditions:
Hereditary cancer-predisposing syndrome. Also called: Neoplastic Syndromes, Hereditary; Tumor predisposition; Hereditary Cancer Syndrome; Hereditary neoplastic syndrome. Identifiers: Orphanet 140162, MedGen C0027672, MeSH D009386, MONDO:0015356.

Submission:

Ambry Genetics
Classification: Uncertain significance for Hereditary cancer-predisposing syndrome. Last evaluated: 2024-09-27. Review status: criteria provided, single submitter. Criteria: Ambry Variant Classification Scheme 2023. Collection method: clinical testing. Allele origin: germline.
Comment: The p.T274P variant (also known as c.820A>C), located in coding exon 9 of the RAD51D gene, results from an A to C substitution at nucleotide position 820. The threonine at codon 274 is replaced by proline, an amino acid with highly similar properties. This amino acid position is highly conserved in available vertebrate species. In addition, this alteration is predicted to be deleterious by in silico analysis. Since supporting evidence is limited at this time, the clinical significance of this alteration remains unclear.

NM_002878.4(RAD51D):c.820A>C (p.Thr274Pro)

Genes: RAD51L3-RFFL (RAD51L3-RFFL readthrough; minus strand), RAD51D (RAD51 paralog D; minus strand). Cytogenetic location: 17q12.
Variant type: single nucleotide variant.
Coding change: c.820A>C on transcript NM_002878.4 (MANE Select); coding-DNA position 820, A replaced by C.
Protein change: p.Thr274Pro; replaces threonine 274 with proline.
Molecular consequence: missense variant. On other transcripts: non-coding transcript variant (3).
Genome position (GRCh38, 1-based): chr17:35,101,284, T>G on the plus strand (A>C on the coding strand, the complement: RAD51D is on the minus strand). VCF-style: chr17-35101284-T-G. GRCh37 (hg19) VCF-style: chr17-33428303-T-G.
Other names: c.880A>C, p.Thr294Pro (NM_001142571.2); c.484A>C, p.Thr162Pro (NM_133629.3); short protein forms T294P, T162P, T274P.
Identifiers: ClinVar variation 1762458 (VCV001762458.3), dbSNP rs2142411729, ClinGen allele CA399086748.